The following is an entry in ClinVar:

ClinVar aggregate classification (germline): Conflicting classifications of pathogenicity. Review status: criteria provided, conflicting classifications (1 of 4 stars). 10 submissions from 10 submitters: Uncertain significance (2); Benign (2); Likely benign (3). 3 of the submissions do not count toward it. Last evaluated 2026-01-28.

Conditions:
Autosomal dominant polycystic liver disease. Also called: Congenital cystic disease of liver; Polycystic liver disease. Identifiers: Orphanet 2924, MedGen C0158683, MONDO:0000447, HP:0006557.
PKHD1-related disorder. Also called: PKHD1-related condition.
Polycystic kidney disease 4 (PKD4). Also called: POLYCYSTIC KIDNEY DISEASE 4 WITH OR WITHOUT POLYCYSTIC LIVER DISEASE; PKD3; Autosomal Recessive Polycystic Kidney Disease – PKHD1; POLYCYSTIC KIDNEY AND HEPATIC DISEASE 1; POLYCYSTIC KIDNEY DISEASE, INFANTILE, TYPE I. Identifiers: MedGen C4540575, MONDO:0033004, OMIM 263200.
Autosomal recessive polycystic kidney disease (ARPKD). Also called: AR polycystic kidney disease. Identifiers: Orphanet 731, Orphanet 8378, MedGen C0085548, MeSH D017044, MONDO:0009889.

Allele frequency attached by ClinVar (database versions not stated): ESP Exome Variant Server 0.00023; 1000 Genomes Project 30x 0.00031; gnomAD exomes 0.00035 and 0.00076; 1000 Genomes Project 0.00040; ExAC 0.00049; gnomAD 0.00060 and 0.00061; TOPMed 0.00080.
gnomAD v4.1: 658 of 1,599,152 alleles (0.041%); highest among the groups gnomAD compares: Middle Eastern, 0.79%; 6 homozygotes.

Submissions (10):

Labcorp Genetics (formerly Invitae), Labcorp
Classification: Benign for Autosomal recessive polycystic kidney disease. Last evaluated: 2026-01-28. Review status: criteria provided, single submitter. Criteria: Invitae Variant Classification Sherloc (09022015). Collection method: clinical testing. Allele origin: germline.

Genomic Medicine Center of Excellence, King Faisal Specialist Hospital and Research Centre
Classification: Benign for Polycystic kidney disease 4. Last evaluated: 2025-09-10. Review status: criteria provided, single submitter. Criteria: ACMG Guidelines, 2015. Collection method: clinical testing. Allele origin: germline.

Blueprint Genetics
Classification: Likely benign. Last evaluated: 2024-10-14. Review status: criteria provided, single submitter. Criteria: ACMG Guidelines, 2015. Collection method: clinical testing. Allele origin: germline.

GeneDx
Classification: Likely benign. Last evaluated: 2021-12-02. Review status: criteria provided, single submitter. Criteria: GeneDx Variant Classification Process June 2021. Collection method: clinical testing. Allele origin: germline. Affected: yes.

Illumina Laboratory Services, Illumina
Classification: Uncertain significance for Polycystic kidney disease 4. Last evaluated: 2018-01-12. Review status: criteria provided, single submitter. Criteria: ICSL Variant Classification Criteria 13 December 2019. Collection method: clinical testing. Allele origin: germline.

Eurofins Ntd Llc (ga)
Classification: Likely benign. Last evaluated: 2017-06-27. Review status: criteria provided, single submitter. Criteria: EGL Classification Definitions 2015. Collection method: clinical testing. Allele origin: germline. Observed: 3 variant alleles, 3 heterozygotes.

CeGaT Center for Human Genetics Tuebingen
Classification: Uncertain significance. Last evaluated: 2017-01-01. Review status: criteria provided, single submitter. Criteria: CeGaT Center For Human Genetics Tuebingen Variant Classification Criteria Version 2. Collection method: clinical testing. Allele origin: germline. Affected: yes. Observed: 2 variant alleles.

Laboratory of Gastroenterology and Hepatology, Radboud University Medical Center
Classification: Uncertain significance for Autosomal dominant polycystic liver disease. Last evaluated: 2021-09-01. Review status: no assertion criteria provided. Collection method: research. Allele origin: germline. Affected: yes. Not counted in ClinVar's aggregate classification.

PreventionGenetics, part of Exact Sciences
Classification: Benign for PKHD1-related condition. Last evaluated: 2021-03-29. Review status: no assertion criteria provided. Collection method: clinical testing. Allele origin: germline. Not counted in ClinVar's aggregate classification.
Comment: This variant is classified as benign based on ACMG/AMP sequence variant interpretation guidelines (Richards et al. 2015 PMID: 25741868, with internal and published modifications).

Natera, Inc.
Classification: Benign for Autosomal recessive polycystic kidney disease. Last evaluated: 2017-11-14. Review status: no assertion criteria provided. Collection method: clinical testing. Allele origin: germline. Not counted in ClinVar's aggregate classification.

NM_138694.4(PKHD1):c.7744C>T (p.Pro2582Ser)

Gene: PKHD1 (PKHD1 ciliary IPT domain containing fibrocystin/polyductin; minus strand). Cytogenetic location: 6p12.2.
Variant type: single nucleotide variant.
Coding change: c.7744C>T on transcript NM_138694.4 (MANE Select); coding-DNA position 7744, C replaced by T.
Protein change: p.Pro2582Ser; replaces proline 2582 with serine.
Molecular consequence: missense variant.
Genome position (GRCh38, 1-based): chr6:51,856,060, G>A on the plus strand (C>T on the coding strand, the complement: PKHD1 is on the minus strand). VCF-style: chr6-51856060-G-A. GRCh37 (hg19) VCF-style: chr6-51720858-G-A.
Other names: c.7744C>T, p.Pro2582Ser (NM_170724.3); short protein forms P2582S.
Identifiers: ClinVar variation 288719 (VCV000288719.87), dbSNP rs200204857, ClinGen allele CA3851843.